The following is an entry in ClinVar:

ClinVar aggregate classification (germline): Pathogenic. Review status: criteria provided, multiple submitters, no conflicts (2 of 4 stars). 2 submissions from 2 submitters: Pathogenic (2). Last evaluated 2025-07-29.

Conditions:
Autosomal recessive Alport syndrome (ATS2). Also called: Alport syndrome type 2; COL4A3-Related Nephropathy; COL4A4 Alport Syndrome and Thin Basement Membrane Nephropathy; ALPORT SYNDROME 2, AUTOSOMAL RECESSIVE. Identifiers: Orphanet 63, Orphanet 88919, MedGen C4746745, MONDO:0008762, OMIM 203780.

Submissions (2):

Labcorp Genetics (formerly Invitae), Labcorp
Classification: Pathogenic. Last evaluated: 2025-07-29. Review status: criteria provided, single submitter. Criteria: Invitae Variant Classification Sherloc (09022015). Collection method: clinical testing. Allele origin: germline.
Comment: This sequence change creates a premature translational stop signal (p.Asp191Profs*56) in the COL4A4 gene. It is expected to result in an absent or disrupted protein product. Loss-of-function variants in COL4A4 are known to be pathogenic (PMID: 21196518, 24854265, 25307543). This variant is not present in population databases (gnomAD no frequency). This variant has not been reported in the literature in individuals affected with COL4A4-related conditions. For these reasons, this variant has been classified as Pathogenic.

Women's Health and Genetics/Laboratory Corporation of America, LabCorp
Classification: Pathogenic for Autosomal recessive Alport syndrome. Last evaluated: 2024-01-11. Review status: criteria provided, single submitter. Criteria: LabCorp Variant Classification Summary - May 2015. Collection method: clinical testing. Allele origin: germline.
Comment: Variant summary: COL4A4 c.567_568delAG (p.Asp191ProfsX56) results in a premature termination codon, predicted to cause a truncation of the encoded protein or absence of the protein due to nonsense mediated decay, which are commonly known mechanisms for disease. The variant was absent in 249424 control chromosomes. To our knowledge, no occurrence of c.567_568delAG in individuals affected with Alport Syndrome, Autosomal Recessive and no experimental evidence demonstrating its impact on protein function have been reported. No submitters have cited clinical-significance assessments for this variant to ClinVar. Based on the evidence outlined above, the variant was classified as pathogenic.

Literature cited by the submitters: PubMed 21196518 (cited by Labcorp Genetics (formerly Invitae), Labcorp); PubMed 24854265 (cited by Labcorp Genetics (formerly Invitae), Labcorp); PubMed 25307543 (cited by Labcorp Genetics (formerly Invitae), Labcorp).

NM_000092.5(COL4A4):c.567_568del (p.Asp191fs)

Gene: COL4A4 (collagen type IV alpha 4 chain; minus strand). Cytogenetic location: 2q36.3.
Variant type: Microsatellite.
Coding change: c.567_568del on transcript NM_000092.5 (MANE Select); coding-DNA positions 567 to 568, 2 bases deleted (AG; older notation c.567_568delAG).
Protein change: p.Asp191fs; shifts the reading frame from aspartic acid 191.
Molecular consequence: frameshift variant.
Genome position (GRCh38, 1-based): chr2:227,111,704-227,111,705, CT deleted on the plus strand (AG on the coding strand, the reverse complement: COL4A4 is on the minus strand); deleting any 2 consecutive bases within chr2:227,111,704-227,111,707 gives the same sequence; the c. name uses the placement nearest the transcript's 3' end. VCF-style (leftmost placement, unchanged base first): chr2-227111703-CCT-C. GRCh37 (hg19) VCF-style: chr2-227976419-CCT-C.
Other names: c.567_568delAG (NM_000092.5); short protein forms D191fs.
Identifiers: ClinVar variation 3063841 (VCV003063841.2), dbSNP rs2475886228, ClinGen allele CA2740096486.